The following is an entry in ClinVar:

ClinVar aggregate classification (germline): Conflicting classifications of pathogenicity. Review status: criteria provided, conflicting classifications (1 of 4 stars). 3 submissions from 3 submitters: Uncertain significance (1); Likely benign (2). Last evaluated 2025-04-09.

Allele frequency attached by ClinVar (database versions not stated): gnomAD exomes 0.00017 and 0.00039; ExAC 0.00054; gnomAD 0.00150 and 0.00164; 1000 Genomes Project 0.00180; 1000 Genomes Project 30x 0.00187; TOPMed 0.00194; ESP Exome Variant Server 0.00200.

Submissions (7):

Molecular Diagnostic Laboratory for Inherited Cardiovascular Disease, Montreal Heart Institute
Classification: Likely benign. Last evaluated: 2025-04-09. Review status: criteria provided, single submitter. Criteria: ACMG Guidelines, 2015. Collection method: clinical testing. Allele origin: germline. Affected: no.
Comment: BS1, BP4

GeneDx
Classification: Uncertain significance. Last evaluated: 2024-06-05. Review status: criteria provided, single submitter. Criteria: GeneDx Variant Classification Process June 2021. Collection method: clinical testing. Allele origin: germline. Affected: yes.
Comment: In silico analysis indicates that this missense variant does not alter protein structure/function; Has not been previously published as pathogenic or benign to our knowledge; This variant is associated with the following publications: (PMID: Gupta2013[Computational])

Labcorp Genetics (formerly Invitae), Labcorp
Classification: Likely benign. Last evaluated: 2018-07-13. Review status: criteria provided, single submitter. Criteria: Invitae Variant Classification Sherloc (09022015). Collection method: clinical testing. Allele origin: germline.

Dr. Peter K. Rogan Lab, Western University
No classification provided (evidence only). Condition: Clear cell carcinoma of kidney. Review status: no classification provided. Collection method: in vitro. Allele origin: not applicable. Functional consequence: retained intron. Not counted in ClinVar's aggregate classification.

Dr. Peter K. Rogan Lab, Western University
No classification provided (evidence only). Condition: Lung cancer. Review status: no classification provided. Collection method: in vitro. Allele origin: not applicable. Functional consequence: retained intron. Not counted in ClinVar's aggregate classification.

Dr. Peter K. Rogan Lab, Western University
No classification provided (evidence only). Condition: Lung cancer. Review status: no classification provided. Collection method: in vitro. Allele origin: not applicable. Functional consequence: retained intron. Not counted in ClinVar's aggregate classification.

Dr. Peter K. Rogan Lab, Western University
No classification provided (evidence only). Condition: Familial cancer of breast. Review status: no classification provided. Collection method: in vitro. Allele origin: not applicable. Functional consequence: skipped exon, retained intron. Not counted in ClinVar's aggregate classification.

NM_001199251.3(SGO1):c.926A>G (p.Tyr309Cys)

Genes: SGO1-AS1 (SGO1 antisense RNA 1; plus strand), SGO1 (shugoshin 1; minus strand). Cytogenetic location: 3p24.3.
Variant type: single nucleotide variant.
Coding change: c.926A>G on transcript NM_001199251.3 (MANE Select); coding-DNA position 926, A replaced by G.
Protein change: p.Tyr309Cys; replaces tyrosine 309 with cysteine.
Molecular consequence: missense variant. On other transcripts: intron variant (9).
Genome position (GRCh38, 1-based): chr3:20,174,605, T>C on the plus strand (A>G on the coding strand, the complement: SGO1 is on the minus strand). VCF-style: chr3-20174605-T-C. GRCh37 (hg19) VCF-style: chr3-20216097-T-C.
Other names: NC_000003.11:g.20216097T>C; c.926A>G (NM_001199251.1); c.926A>G, p.Tyr309Cys (NM_001012409.4, NM_001012410.5, NM_001199252.3); c.475+1996A>G (NM_138484.5, NM_001199256.3, NM_001012413.4 and 1 more transcripts); c.526+400A>G (NM_001012412.5, NM_001199257.3, NM_001199254.3 and 2 more transcripts); short protein forms Y309C.
Identifiers: ClinVar variation 787255 (VCV000787255.6), dbSNP rs142110258, ClinGen allele CA2285226.